The following is an entry in ClinVar:

ClinVar aggregate classification (germline): Conflicting classifications of pathogenicity. Review status: criteria provided, conflicting classifications (1 of 4 stars). 3 submissions from 3 submitters: Uncertain significance (1); Likely benign (2). Last evaluated 2025-11-01.

Conditions:
Inborn genetic diseases. Identifiers: MedGen C0950123, MeSH D030342.

Allele frequency attached by ClinVar (database versions not stated): gnomAD 0.00005; 1000 Genomes Project 30x 0.00016; 1000 Genomes Project 0.00020.
gnomAD v4.1: 118 of 1,613,534 alleles (0.0073%); highest among the groups gnomAD compares: Admixed American, 0.013%; no homozygotes.

Submissions (3):

CeGaT Center for Human Genetics Tuebingen
Classification: Likely benign. Last evaluated: 2025-11-01. Review status: criteria provided, single submitter. Criteria: CeGaT Center For Human Genetics Tuebingen Variant Classification Criteria Version 2. Collection method: clinical testing. Allele origin: germline. Affected: yes. Observed: 1 variant allele.
Comment: CAMTA1: BP4

Ambry Genetics
Classification: Likely benign for Inborn genetic diseases. Last evaluated: 2025-05-18. Review status: criteria provided, single submitter. Criteria: Ambry Variant Classification Scheme 2023. Collection method: clinical testing. Allele origin: germline.

Labcorp Genetics (formerly Invitae), Labcorp
Classification: Uncertain significance. Last evaluated: 2023-04-25. Review status: criteria provided, single submitter. Criteria: Invitae Variant Classification Sherloc (09022015). Collection method: clinical testing. Allele origin: germline.
Comment: In summary, the available evidence is currently insufficient to determine the role of this variant in disease. Therefore, it has been classified as a Variant of Uncertain Significance. An algorithm developed to predict the effect of missense changes on protein structure and function (PolyPhen-2) suggests that this variant is likely to be disruptive. This variant has not been reported in the literature in individuals affected with CAMTA1-related conditions. This variant is present in population databases (rs200089323, gnomAD 0.02%). This sequence change replaces threonine, which is neutral and polar, with methionine, which is neutral and non-polar, at codon 596 of the CAMTA1 protein (p.Thr596Met).

NM_015215.4(CAMTA1):c.1787C>T (p.Thr596Met)

Gene: CAMTA1 (calmodulin binding transcription activator 1; plus strand). Cytogenetic location: 1p36.23.
Variant type: single nucleotide variant.
Coding change: c.1787C>T on transcript NM_015215.4 (MANE Select); coding-DNA position 1787, C replaced by T.
Protein change: p.Thr596Met; replaces threonine 596 with methionine.
Molecular consequence: missense variant.
Genome position (GRCh38, 1-based): chr1:7,664,334, C>T. VCF-style: chr1-7664334-C-T. GRCh37 (hg19) VCF-style: chr1-7724394-C-T.
Other names: c.1697C>T, p.Thr566Met (NM_001349608.2, NM_001349612.2); c.1787C>T, p.Thr596Met (NM_001349609.2, NM_001349610.2, NM_001410737.1); c.1715C>T, p.Thr572Met (NM_001410738.1); c.1787C>T (NM_015215.2); short protein forms T596M, T572M, T566M.
Identifiers: ClinVar variation 2722729 (VCV002722729.9), dbSNP rs200089323, ClinGen allele CA566506.
Genomic context (GRCh38, chr1:7,664,334, plus strand): 5'-GTCCCAGCACCACCCTGGAGCAGATGGACTTCAGCGCCATCGACTCCAACAAGGACTACA[C>T]GTCCAGCTTCAGCCAGACGGGCCACAGCCCCCACATCCACCAGACCCCCTCCCCGAGCTT-3'
Protein context (NP_056030.1, residues 586-606): FSAIDSNKDY[Thr596Met]SSFSQTGHSP